The following is an entry in ClinVar:

ClinVar aggregate classification (germline): Uncertain significance (1 of 4 stars; one submission).

Submission:

GeneDx
Classification: Uncertain significance. Last evaluated: 2025-08-04. Review status: criteria provided, single submitter. Criteria: GeneDx Variant Classification Process June 2021. Collection method: clinical testing. Allele origin: germline. Affected: yes.
Comment: Not observed at significant frequency in large population cohorts (gnomAD); In silico analysis suggests that this missense variant does not alter protein structure/function; Has not been previously published as pathogenic or benign to our knowledge

NM_022173.4(TIA1):c.770A>C (p.Asn257Thr)

Gene: TIA1 (TIA1 cytotoxic granule associated RNA binding protein; minus strand). Cytogenetic location: 2p13.3.
Variant type: single nucleotide variant.
Coding change: c.770A>C on transcript NM_022173.4 (MANE Select); coding-DNA position 770, A replaced by C.
Protein change: p.Asn257Thr; replaces asparagine 257 with threonine.
Molecular consequence: missense variant. On other transcripts: non-coding transcript variant (17).
Genome position (GRCh38, 1-based): chr2:70,215,489, T>G on the plus strand (A>C on the coding strand, the complement: TIA1 is on the minus strand). VCF-style: chr2-70215489-T-G. GRCh37 (hg19) VCF-style: chr2-70442621-T-G.
Other names: c.770A>C, p.Asn257Thr (NM_001351508.2); c.743A>C, p.Asn248Thr (NM_001351509.2); c.737A>C, p.Asn246Thr (NM_001351510.2, NM_022037.4); c.659A>C, p.Asn220Thr (NM_001351511.1); c.632A>C, p.Asn211Thr (NM_001351512.1); c.626A>C, p.Asn209Thr (NM_001351513.1); c.542A>C, p.Asn181Thr (NM_001351514.2); c.467A>C, p.Asn156Thr (NM_001351515.2); and 1 more; short protein forms N117T, N156T, N181T, N209T, N211T, N220T, N246T, N248T.
Identifiers: ClinVar variation 4755902 (VCV004755902.1).